The following is an entry in ClinVar:

NM_001035.3(RYR2):c.14159T>C (p.Leu4720Pro)

Gene: RYR2 (ryanodine receptor 2; plus strand). Cytogenetic location: 1q43.
Variant type: single nucleotide variant.
Coding change: c.14159T>C on transcript NM_001035.3 (MANE Select); coding-DNA position 14159, T replaced by C.
Protein change: p.Leu4720Pro; replaces leucine 4720 with proline.
Molecular consequence: missense variant.
Genome position (GRCh38, 1-based): chr1:237,806,144, T>C. VCF-style: chr1-237806144-T-C. GRCh37 (hg19) VCF-style: chr1-237969444-T-C.
Other names: p.L4720P:CTC>CCC; c.14159T>C, p.Leu4720Pro (LRG_402t1); short protein forms L4720P.
Identifiers: ClinVar variation 201354 (VCV000201354.4), dbSNP rs794728801, ClinGen allele CA008175.

ClinVar aggregate classification (germline): Conflicting classifications of pathogenicity. Review status: criteria provided, conflicting classifications (1 of 4 stars). 2 submissions from 2 submitters: Likely pathogenic (1); Uncertain significance (1). Last evaluated 2024-03-01.

Conditions:
Catecholaminergic polymorphic ventricular tachycardia (CVPT). Also called: Catecholamine-induced polymorphic ventricular tachycardia. Identifiers: Orphanet 3286, MedGen C5574922, MONDO:0017990.

Submissions (2):

Lildballe Lab, Aarhus University Hospital
Classification: Likely pathogenic for catecholaminergic polymorphic ventricular tachycardia. Last evaluated: 2024-03-01. Review status: criteria provided, single submitter. Criteria: ACMG Guidelines, 2015. Collection method: research. Allele origin: germline. Affected: yes.
Comment: PP3(s), PM2(sup), PP2(sup)

GeneDx
Classification: Uncertain significance. Last evaluated: 2019-10-23. Review status: criteria provided, single submitter. Criteria: GeneDx Variant Classification Process June 2021. Collection method: clinical testing. Allele origin: germline. Affected: yes.
Comment: Has not been previously published as pathogenic or benign to our knowledge; Not observed in large population cohorts (Lek et al., 2016); In silico analysis, which includes protein predictors and evolutionary conservation, supports a deleterious effect; Located in one of the three hot-spot regions of the RYR2 gene, where the majority of pathogenic missense variants occur (Medeiros-Domingo et al., 2009)

Literature cited by the submitters: PubMed 25741905 (cited by Lildballe Lab, Aarhus University Hospital); PubMed 39481677 (cited by Lildballe Lab, Aarhus University Hospital).